The following is an entry in ClinVar:

NM_002067.5(GNA11):c.194C>T (p.Ala65Val)

Gene: GNA11 (G protein subunit alpha 11; plus strand). Cytogenetic location: 19p13.3.
Variant type: single nucleotide variant.
Coding change: c.194C>T on transcript NM_002067.5 (MANE Select); coding-DNA position 194, C replaced by T.
Protein change: p.Ala65Val; replaces alanine 65 with valine.
Molecular consequence: missense variant.
Genome position (GRCh38, 1-based): chr19:3,110,206, C>T. VCF-style: chr19-3110206-C-T. GRCh37 (hg19) VCF-style: chr19-3110204-C-T.
Other names: short protein forms A65V.
Identifiers: ClinVar variation 4743176 (VCV004743176.1).
Genomic context (GRCh38, chr19:3,110,206, plus strand): 5'-CAGGCACGGGCGAGAGCGGGAAGAGCACGTTCATCAAGCAGATGCGCATCATCCACGGCG[C>T]CGGCTACTCGGAGGAGGACAAGCGCGGCTTCACCAAGCTCGTCTACCAGAACATCTTCAC-3'
Protein context (NP_002058.2, residues 55-75): FIKQMRIIHG[Ala65Val]GYSEEDKRGF

ClinVar aggregate classification (germline): Uncertain significance (1 of 4 stars; one submission).

Submission:

Labcorp Genetics (formerly Invitae), Labcorp
Classification: Uncertain significance. Last evaluated: 2025-06-03. Review status: criteria provided, single submitter. Criteria: Invitae Variant Classification Sherloc (09022015). Collection method: clinical testing. Allele origin: germline.
Comment: This sequence change replaces alanine, which is neutral and non-polar, with valine, which is neutral and non-polar, at codon 65 of the GNA11 protein (p.Ala65Val). This variant is not present in population databases (gnomAD no frequency). This variant has not been reported in the literature in individuals affected with GNA11-related conditions. Invitae Evidence Modeling of protein sequence and biophysical properties (such as structural, functional, and spatial information, amino acid conservation, physicochemical variation, residue mobility, and thermodynamic stability) indicates that this missense variant is not expected to disrupt GNA11 protein function with a negative predictive value of 80%. In summary, the available evidence is currently insufficient to determine the role of this variant in disease. Therefore, it has been classified as a Variant of Uncertain Significance.